The following is an entry in ClinVar:

ClinVar aggregate classification (germline): Pathogenic (1 of 4 stars; one submission).

Conditions:
Dystonia 12 (DYT12). Also called: Rapid-Onset Dystonia-Parkinsonism (RDP); DYT-ATP1A3. Identifiers: Orphanet 71517, MedGen C1868681, MONDO:0007496, OMIM 128235.

Submission:

Labcorp Genetics (formerly Invitae), Labcorp
Classification: Pathogenic for Dystonia 12. Last evaluated: 2022-06-01. Review status: criteria provided, single submitter. Criteria: Invitae Variant Classification Sherloc (09022015). Collection method: clinical testing. Allele origin: germline.
Comment: This sequence change replaces leucine, which is neutral and non-polar, with proline, which is neutral and non-polar, at codon 94 of the ATP1A3 protein (p.Leu94Pro). This variant is not present in population databases (gnomAD no frequency). This missense change has been observed in individual(s) with clinical features of ATP1A3-related conditions (Invitae). In at least one individual the variant was observed to be de novo. Advanced modeling of protein sequence and biophysical properties (such as structural, functional, and spatial information, amino acid conservation, physicochemical variation, residue mobility, and thermodynamic stability) performed at Invitae indicates that this missense variant is expected to disrupt ATP1A3 protein function. For these reasons, this variant has been classified as Pathogenic.

NM_152296.5(ATP1A3):c.281T>C (p.Leu94Pro)

Gene: ATP1A3 (ATPase Na+/K+ transporting subunit alpha 3; minus strand). Cytogenetic location: 19q13.2.
Variant type: single nucleotide variant.
Coding change: c.281T>C on transcript NM_152296.5 (MANE Select); coding-DNA position 281, T replaced by C.
Protein change: p.Leu94Pro; replaces leucine 94 with proline.
Molecular consequence: missense variant.
Genome position (GRCh38, 1-based): chr19:41,988,012, A>G on the plus strand (T>C on the coding strand, the complement: ATP1A3 is on the minus strand). VCF-style: chr19-41988012-A-G. GRCh37 (hg19) VCF-style: chr19-42492164-A-G.
Other names: c.314T>C, p.Leu105Pro (NM_001256213.2); c.320T>C, p.Leu107Pro (NM_001256214.2); short protein forms L107P, L105P, L94P.
Identifiers: ClinVar variation 1992440 (VCV001992440.4), dbSNP rs2514084596, ClinGen allele CA406056371.